The following is an entry in ClinVar:

ClinVar aggregate classification (germline): Likely benign (0 of 4 stars; one submission).

Conditions:
SOX8-related disorder. Also called: SOX8-related condition.

gnomAD v4.1: 12 of 1,296,452 alleles (0.00093%); highest among the groups gnomAD compares: Non-Finnish European, 0.0011%; no homozygotes.

Submission:

PreventionGenetics, part of Exact Sciences
Classification: Likely benign for SOX8-related condition. Last evaluated: 2019-06-19. Review status: no assertion criteria provided. Collection method: clinical testing. Allele origin: germline.
Comment: This variant is classified as likely benign based on ACMG/AMP sequence variant interpretation guidelines (Richards et al. 2015 PMID: 25741868, with internal and published modifications).

NM_014587.5(SOX8):c.138G>A (p.Gly46=)

Gene: SOX8 (SRY-box transcription factor 8; plus strand). Cytogenetic location: 16p13.3.
Variant type: single nucleotide variant.
Coding change: c.138G>A on transcript NM_014587.5 (MANE Select); coding-DNA position 138, G replaced by A.
Protein change: p.Gly46=; no amino-acid change (glycine 46 retained).
Molecular consequence: synonymous variant.
Genome position (GRCh38, 1-based): chr16:982,060, G>A. VCF-style: chr16-982060-G-A. GRCh37 (hg19) VCF-style: chr16-1032060-G-A.
Identifiers: ClinVar variation 3352387 (VCV003352387.1).